The following is an entry in ClinVar:

ClinVar aggregate classification (germline): Conflicting classifications of pathogenicity. Review status: criteria provided, conflicting classifications (1 of 4 stars). 6 submissions from 6 submitters: Uncertain significance (1); Benign (2); Likely benign (2). 1 of the submissions does not count toward it. Last evaluated 2026-01-25.

Conditions:
MYO15A-related disorder. Also called: MYO15A-related condition.
Autosomal recessive nonsyndromic hearing loss 3. Also called: NEUROSENSORY NONSYNDROMIC RECESSIVE DEAFNESS 3. Identifiers: Orphanet 90636, MedGen C1838263, MONDO:0010860, OMIM 600316.

Allele frequency attached by ClinVar (database versions not stated): 1000 Genomes Project 30x 0.00016; ESP Exome Variant Server 0.00016; 1000 Genomes Project 0.00020; gnomAD 0.00032 and 0.00052; TOPMed 0.00032; gnomAD exomes 0.00070 and 0.00099; ExAC 0.00101.
gnomAD v4.1: 1,102 of 1,613,112 alleles (0.068%); highest among the groups gnomAD compares: South Asian, 0.57%; 8 homozygotes.

Submissions (6):

Labcorp Genetics (formerly Invitae), Labcorp
Classification: Likely benign. Last evaluated: 2026-01-25. Review status: criteria provided, single submitter. Criteria: Invitae Variant Classification Sherloc (09022015). Collection method: clinical testing. Allele origin: germline.

CeGaT Center for Human Genetics Tuebingen
Classification: Benign. Last evaluated: 2025-03-01. Review status: criteria provided, single submitter. Criteria: CeGaT Center For Human Genetics Tuebingen Variant Classification Criteria Version 2. Collection method: clinical testing. Allele origin: germline. Affected: yes. Observed: 2 variant alleles.
Comment: MYO15A: BS1, BS2

Blueprint Genetics
Classification: Likely benign. Last evaluated: 2024-11-21. Review status: criteria provided, single submitter. Criteria: ACMG Guidelines, 2015. Collection method: clinical testing. Allele origin: germline.

GeneDx
Classification: Benign. Last evaluated: 2020-01-16. Review status: criteria provided, single submitter. Criteria: GeneDx Variant Classification Process June 2021. Collection method: clinical testing. Allele origin: germline. Affected: yes.

Illumina Laboratory Services, Illumina
Classification: Uncertain significance for Autosomal recessive nonsyndromic hearing loss 3. Last evaluated: 2018-01-12. Review status: criteria provided, single submitter. Criteria: ICSL Variant Classification Criteria 13 December 2019. Collection method: clinical testing. Allele origin: germline.

PreventionGenetics, part of Exact Sciences
Classification: Likely benign for MYO15A-related condition. Last evaluated: 2019-12-02. Review status: no assertion criteria provided. Collection method: clinical testing. Allele origin: germline. Not counted in ClinVar's aggregate classification.
Comment: This variant is classified as likely benign based on ACMG/AMP sequence variant interpretation guidelines (Richards et al. 2015 PMID: 25741868, with internal and published modifications).

NM_016239.4(MYO15A):c.3647G>A (p.Arg1216His)

Gene: MYO15A (myosin XVA; plus strand). Cytogenetic location: 17p11.2.
Variant type: single nucleotide variant.
Coding change: c.3647G>A on transcript NM_016239.4 (MANE Select); coding-DNA position 3647, G replaced by A.
Protein change: p.Arg1216His; replaces arginine 1216 with histidine.
Molecular consequence: missense variant.
Genome position (GRCh38, 1-based): chr17:18,124,520, G>A. VCF-style: chr17-18124520-G-A. GRCh37 (hg19) VCF-style: chr17-18027834-G-A.
Other names: short protein forms R1216H.
Identifiers: ClinVar variation 493208 (VCV000493208.58), dbSNP rs202148411, ClinGen allele CA8423523.